The following is an entry in ClinVar:

NM_031418.4(ANO3):c.1434T>A (p.Phe478Leu)

Genes: ANO3 (anoctamin 3; plus strand), MUC15 (mucin 15, cell surface associated; minus strand). Cytogenetic location: 11p14.2.
Variant type: single nucleotide variant.
Coding change: c.1434T>A on transcript NM_031418.4 (MANE Select); coding-DNA position 1434, T replaced by A.
Protein change: p.Phe478Leu; replaces phenylalanine 478 with leucine.
Molecular consequence: missense variant. On other transcripts: 3 prime UTR variant (3).
Genome position (GRCh38, 1-based): chr11:26,559,766, T>A. VCF-style: chr11-26559766-T-A. GRCh37 (hg19) VCF-style: chr11-26581313-T-A.
Other names: c.*1299A>T (NM_001135091.2, NM_001135092.2, NM_145650.4); c.1617T>A, p.Phe539Leu (NM_001313726.2); c.996T>A, p.Phe332Leu (NM_001313727.2); short protein forms F332L, F478L, F539L.
Identifiers: ClinVar variation 3378176 (VCV003378176.1).

ClinVar aggregate classification (germline): Uncertain significance (1 of 4 stars; one submission).

Submission:

GeneDx
Classification: Uncertain significance. Last evaluated: 2024-05-13. Review status: criteria provided, single submitter. Criteria: GeneDx Variant Classification Process June 2021. Collection method: clinical testing. Allele origin: germline. Affected: yes.
Comment: Not observed at significant frequency in large population cohorts (gnomAD); In silico analysis supports that this missense variant has a deleterious effect on protein structure/function; Has not been previously published as pathogenic or benign to our knowledge